The following is an entry in ClinVar:

NM_005445.4(SMC3):c.892C>A (p.Gln298Lys)

Gene: SMC3 (structural maintenance of chromosomes 3; plus strand). Cytogenetic location: 10q25.2.
Variant type: single nucleotide variant.
Coding change: c.892C>A on transcript NM_005445.4 (MANE Select); coding-DNA position 892, C replaced by A.
Protein change: p.Gln298Lys; replaces glutamine 298 with lysine.
Molecular consequence: missense variant.
Genome position (GRCh38, 1-based): chr10:110,583,471, C>A. VCF-style: chr10-110583471-C-A. GRCh37 (hg19) VCF-style: chr10-112343229-C-A.
Other names: short protein forms Q298K.
Identifiers: ClinVar variation 2581960 (VCV002581960.1), dbSNP rs867575385, ClinGen allele CA213232149.
Genomic context (GRCh38, chr10:110,583,471, plus strand): 5'-AAAACAAAAATTTCAGCTATGAAAGAAGAAAAAGAACAGCTTAGTGCTGAAAGACAAGAG[C>A]AGATTAAGCAGAGGACTAAGTTGGAGCTTAAAGCCAAGGATTTACAAGATGAACTAGCAG-3'
Protein context (NP_005436.1, residues 288-308): KEQLSAERQE[Gln298Lys]IKQRTKLELK

ClinVar aggregate classification (germline): Uncertain significance (1 of 4 stars; one submission).

Submission:

GeneDx
Classification: Uncertain significance. Last evaluated: 2023-03-26. Review status: criteria provided, single submitter. Criteria: GeneDx Variant Classification Process June 2021. Collection method: clinical testing. Allele origin: germline. Affected: yes.
Comment: Not observed at significant frequency in large population cohorts (gnomAD); In silico analysis supports that this missense variant does not alter protein structure/function; Has not been previously published as pathogenic or benign to our knowledge